The following is an entry in ClinVar:

NM_030943.4(AMN):c.730C>T (p.Arg244Trp)

Gene: AMN (amnion associated transmembrane protein; plus strand). Cytogenetic location: 14q32.32.
Variant type: single nucleotide variant.
Coding change: c.730C>T on transcript NM_030943.4 (MANE Select); coding-DNA position 730, C replaced by T.
Protein change: p.Arg244Trp; replaces arginine 244 with tryptophan.
Molecular consequence: missense variant.
Genome position (GRCh38, 1-based): chr14:102,929,506, C>T. VCF-style: chr14-102929506-C-T. GRCh37 (hg19) VCF-style: chr14-103395843-C-T.
Other names: c.568C>T, p.Arg190Trp (NM_001425246.1); short protein forms R190W, R244W.
Identifiers: ClinVar variation 3576394 (VCV003576394.4).

ClinVar aggregate classification (germline): Uncertain significance. Review status: criteria provided, multiple submitters, no conflicts (2 of 4 stars). 3 submissions from 3 submitters: Uncertain significance (3). Last evaluated 2026-08-18.

Conditions:
Imerslund-Grasbeck syndrome. Also called: ENTEROCYTE COBALAMIN MALABSORPTION; ENTEROCYTE INTRINSIC FACTOR RECEPTOR, DEFECT OF; PERNICIOUS ANEMIA, JUVENILE, DUE TO SELECTIVE INTESTINAL MALABSORPTION OF VITAMIN B12, WITH PROTEINURIA; Megaloblastic anemia due to inborn errors of metabolism; Imerslund-Gräsbeck syndrome. Identifiers: Orphanet 35858, MedGen C4551825, MONDO:0009853.
Inborn genetic diseases. Identifiers: MedGen C0950123, MeSH D030342.
Imerslund-Grasbeck syndrome type 2. Also called: MEGALOBLASTIC ANEMIA, NORWEGIAN TYPE; Imerslund-Gräsbeck syndrome 2; Megaloblastic anemia 1, Norwegian type. Identifiers: MedGen C4016948, MONDO:0100157, OMIM 618882.

gnomAD v4.1: 9 of 1,534,150 alleles (0.00059%); highest among the groups gnomAD compares: African/African-American, 0.012%; no homozygotes.

Submissions (3):

Ambry Genetics
Classification: Uncertain significance for Inborn genetic diseases. Last evaluated: 2026-08-18. Review status: criteria provided, single submitter. Criteria: Ambry Variant Classification Scheme 2023. Collection method: clinical testing. Allele origin: germline.
Comment: The c.730C>T (p.R244W) alteration is located in exon 7 (coding exon 7) of the AMN gene. This alteration results from a C to T substitution at nucleotide position 730, causing the arginine (R) at amino acid position 244 to be replaced by a tryptophan (W). Based on data from gnomAD, the T allele has an overall frequency of 0.002% (3/166352) total alleles studied. The highest observed frequency was 0.02% (3/15138) of African alleles. Based on insufficient or conflicting evidence, the clinical significance of this alteration remains unclear.

Labcorp Genetics (formerly Invitae), Labcorp
Classification: Uncertain significance for Imerslund-Grasbeck syndrome. Last evaluated: 2025-06-12. Review status: criteria provided, single submitter. Criteria: Invitae Variant Classification Sherloc (09022015). Collection method: clinical testing. Allele origin: germline.
Comment: This sequence change replaces arginine, which is basic and polar, with tryptophan, which is neutral and slightly polar, at codon 244 of the AMN protein (p.Arg244Trp). The frequency data for this variant in the population databases is considered unreliable, as metrics indicate poor data quality at this position in the gnomAD database. This variant has not been reported in the literature in individuals affected with AMN-related conditions. ClinVar contains an entry for this variant (Variation ID: 3576394). Invitae Evidence Modeling of protein sequence and biophysical properties (such as structural, functional, and spatial information, amino acid conservation, physicochemical variation, residue mobility, and thermodynamic stability) indicates that this missense variant is expected to disrupt AMN protein function with a positive predictive value of 80%. In summary, the available evidence is currently insufficient to determine the role of this variant in disease. Therefore, it has been classified as a Variant of Uncertain Significance.

Fulgent Genetics
Classification: Uncertain significance for Imerslund-Grasbeck syndrome type 2. Last evaluated: 2024-02-16. Review status: criteria provided, single submitter. Criteria: ACMG Guidelines, 2015. Collection method: clinical testing. Allele origin: germline.